The following is an entry in ClinVar:

ClinVar aggregate classification (germline): Benign/Likely benign. Review status: criteria provided, multiple submitters, no conflicts (2 of 4 stars). 4 submissions from 4 submitters: Benign (1); Likely benign (3). Last evaluated 2025-12-01.

Conditions:
Familial adenomatous polyposis 1 (FAP1). Also called: POLYPOSIS, ADENOMATOUS INTESTINAL; FAMILIAL ADENOMATOUS POLYPOSIS 1, ATTENUATED. Identifiers: MedGen C2713442, MONDO:0021056, OMIM 175100. Disease mechanism: loss of function.
Hereditary cancer-predisposing syndrome. Also called: Hereditary Cancer Syndrome; Neoplastic Syndromes, Hereditary; Hereditary neoplastic syndrome; Tumor predisposition. Identifiers: Orphanet 140162, MedGen C0027672, MeSH D009386, MONDO:0015356.

gnomAD v4.1: 1 of 1,613,574 alleles (0.000062%); highest among the groups gnomAD compares: Non-Finnish European, 0.000085%; no homozygotes.

Submissions (4):

CeGaT Center for Human Genetics Tuebingen
Classification: Likely benign. Last evaluated: 2025-12-01. Review status: criteria provided, single submitter. Criteria: CeGaT Center For Human Genetics Tuebingen Variant Classification Criteria Version 2. Collection method: clinical testing. Allele origin: germline. Affected: yes. Observed: 1 variant allele.
Comment: APC: BP4, BP7

Myriad Genetics, Inc.
Classification: Benign for Familial adenomatous polyposis 1. Last evaluated: 2024-04-10. Review status: criteria provided, single submitter. Criteria: Myriad Autosomal Dominant, Autosomal Recessive and X-Linked Classification Criteria (2023). Collection method: clinical testing. Allele origin: unknown.
Comment: This variant is considered benign. This variant is a silent/synonymous amino acid change and it is not expected to impact splicing.

Ambry Genetics
Classification: Likely benign for Hereditary cancer-predisposing syndrome. Last evaluated: 2023-05-12. Review status: criteria provided, single submitter. Criteria: Ambry Variant Classification Scheme 2023. Collection method: clinical testing. Allele origin: germline.

Labcorp Genetics (formerly Invitae), Labcorp
Classification: Likely benign for Familial adenomatous polyposis 1. Last evaluated: 2021-10-19. Review status: criteria provided, single submitter. Criteria: Invitae Variant Classification Sherloc (09022015). Collection method: clinical testing. Allele origin: germline.

NM_000038.6(APC):c.7689T>C (p.Thr2563=)

Gene: APC (APC regulator of Wnt signaling pathway; plus strand). Cytogenetic location: 5q22.2.
Variant type: single nucleotide variant.
Coding change: c.7689T>C on transcript NM_000038.6 (MANE Select); coding-DNA position 7689, T replaced by C.
Protein change: p.Thr2563=; no amino-acid change (threonine 2563 retained).
Molecular consequence: synonymous variant.
Genome position (GRCh38, 1-based): chr5:112,843,283, T>C. VCF-style: chr5-112843283-T-C. GRCh37 (hg19) VCF-style: chr5-112178980-T-C.
Other names: c.7689T>C, p.Thr2563= (NM_001127510.3, NM_001354895.2); c.7635T>C, p.Thr2545= (NM_001127511.3); c.7743T>C, p.Thr2581= (NM_001354896.2); c.7719T>C, p.Thr2573= (NM_001354897.2); c.7614T>C, p.Thr2538= (NM_001354898.2); c.7605T>C, p.Thr2535= (NM_001354899.2); c.7566T>C, p.Thr2522= (NM_001354900.2); c.7512T>C, p.Thr2504= (NM_001354901.2); and 6 more.
Identifiers: ClinVar variation 1628982 (VCV001628982.16), dbSNP rs2149991964, ClinGen allele CA446211138.
Genomic context (GRCh38, chr5:112,843,283, plus strand): 5'-GTCAGGAACCTGGAAACGTGAGCACAGCAAACATTCATCATCCCTTCCTCGAGTAAGCAC[T>C]TGGAGAAGAACTGGAAGTTCATCTTCAATTCTTTCTGCTTCATCAGAATCCAGTGAAAAA-3'
Protein context (NP_000029.2, residues 2553-2573): KHSSSLPRVS[Thr2563=]WRRTGSSSSI